The following is an entry in ClinVar:

NM_022042.4(SLC26A1):c.1010T>C (p.Leu337Pro)

Genes: IDUA (alpha-L-iduronidase; plus strand), SLC26A1 (solute carrier family 26 member 1; minus strand). Cytogenetic location: 4p16.3.
Variant type: single nucleotide variant.
Coding change: c.1010T>C on transcript NM_022042.4 (MANE Select); coding-DNA position 1010, T replaced by C.
Protein change: p.Leu337Pro; replaces leucine 337 with proline.
Molecular consequence: missense variant. On other transcripts: intron variant (2).
Genome position (GRCh38, 1-based): chr4:989,929, A>G on the plus strand (T>C on the coding strand, the complement: SLC26A1 is on the minus strand). VCF-style: chr4-989929-A-G. GRCh37 (hg19) VCF-style: chr4-983717-A-G.
Other names: c.1010T>C, p.Leu337Pro (NM_213613.4); c.576+1199T>C (NM_134425.4); c.299+1980A>G (NM_000203.5); short protein forms L337P.
Identifiers: ClinVar variation 1964316 (VCV001964316.5), dbSNP rs1714120822, ClinGen allele CA355953812.

ClinVar aggregate classification (germline): Uncertain significance (1 of 4 stars; one submission).

Submission:

Labcorp Genetics (formerly Invitae), Labcorp
Classification: Uncertain significance. Last evaluated: 2022-10-13. Review status: criteria provided, single submitter. Criteria: Invitae Variant Classification Sherloc (09022015). Collection method: clinical testing. Allele origin: germline.
Comment: Advanced modeling of protein sequence and biophysical properties (such as structural, functional, and spatial information, amino acid conservation, physicochemical variation, residue mobility, and thermodynamic stability) performed at Invitae indicates that this missense variant is expected to disrupt SLC26A1 protein function. In summary, the available evidence is currently insufficient to determine the role of this variant in disease. Therefore, it has been classified as a Variant of Uncertain Significance. This variant has not been reported in the literature in individuals affected with SLC26A1-related conditions. This variant is not present in population databases (gnomAD no frequency). This sequence change replaces leucine, which is neutral and non-polar, with proline, which is neutral and non-polar, at codon 337 of the SLC26A1 protein (p.Leu337Pro).